The following is an entry in ClinVar:

NM_000038.6(APC):c.2596G>C (p.Ala866Pro)

Gene: APC (APC regulator of Wnt signaling pathway; plus strand). Cytogenetic location: 5q22.2.
Variant type: single nucleotide variant.
Coding change: c.2596G>C on transcript NM_000038.6 (MANE Select); coding-DNA position 2596, G replaced by C.
Protein change: p.Ala866Pro; replaces alanine 866 with proline.
Molecular consequence: missense variant.
Genome position (GRCh38, 1-based): chr5:112,838,190, G>C. VCF-style: chr5-112838190-G-C. GRCh37 (hg19) VCF-style: chr5-112173887-G-C.
Other names: c.2596G>C, p.Ala866Pro (NM_001127510.3, NM_001354895.2, NM_001407450.1); c.2542G>C, p.Ala848Pro (NM_001127511.3); c.2650G>C, p.Ala884Pro (NM_001354896.2, NM_001407447.1, NM_001407448.1 and 1 more transcripts); c.2626G>C, p.Ala876Pro (NM_001354897.2); c.2521G>C, p.Ala841Pro (NM_001354898.2); c.2512G>C, p.Ala838Pro (NM_001354899.2); c.2473G>C, p.Ala825Pro (NM_001354900.2); c.2419G>C, p.Ala807Pro (NM_001354901.2, NM_001407453.1); and 11 more; short protein forms A706P, A765P, A807P, A825P, A856P, A866P, A482P, A841P.
Identifiers: ClinVar variation 1793574 (VCV001793574.7), dbSNP rs2149873281, ClinGen allele CA16027015.
Genomic context (GRCh38, chr5:112,838,190, plus strand): 5'-TCTGAAAAAGATAGAAGTTTGGAGAGAGAACGCGGAATTGGTCTAGGCAACTACCATCCA[G>C]CAACAGAAAATCCAGGAACTTCTTCAAAGCGAGGTTTGCAGATCTCCACCACTGCAGCCC-3'
Protein context (NP_000029.2, residues 856-876): RGIGLGNYHP[Ala866Pro]TENPGTSSKR

ClinVar aggregate classification (germline): Uncertain significance. Review status: criteria provided, multiple submitters, no conflicts (2 of 4 stars). 2 submissions from 2 submitters: Uncertain significance (2). Last evaluated 2022-05-05.

Conditions:
Hereditary cancer-predisposing syndrome. Also called: Tumor predisposition; Hereditary Cancer Syndrome; Neoplastic Syndromes, Hereditary; Hereditary neoplastic syndrome. Identifiers: Orphanet 140162, MedGen C0027672, MeSH D009386, MONDO:0015356.
Familial adenomatous polyposis 1 (FAP1). Also called: FAMILIAL ADENOMATOUS POLYPOSIS 1, ATTENUATED; POLYPOSIS, ADENOMATOUS INTESTINAL. Identifiers: MedGen C2713442, MONDO:0021056, OMIM 175100. Disease mechanism: loss of function.

Submissions (2):

Labcorp Genetics (formerly Invitae), Labcorp
Classification: Uncertain significance for Familial adenomatous polyposis 1. Last evaluated: 2022-05-05. Review status: criteria provided, single submitter. Criteria: Invitae Variant Classification Sherloc (09022015). Collection method: clinical testing. Allele origin: germline.
Comment: This variant is not present in population databases (gnomAD no frequency). This sequence change replaces alanine, which is neutral and non-polar, with proline, which is neutral and non-polar, at codon 866 of the APC protein (p.Ala866Pro). In summary, the available evidence is currently insufficient to determine the role of this variant in disease. Therefore, it has been classified as a Variant of Uncertain Significance. Algorithms developed to predict the effect of missense changes on protein structure and function (SIFT, PolyPhen-2, Align-GVGD) all suggest that this variant is likely to be tolerated. This variant has not been reported in the literature in individuals affected with APC-related conditions.

Ambry Genetics
Classification: Uncertain significance for Hereditary cancer-predisposing syndrome. Last evaluated: 2020-11-09. Review status: criteria provided, single submitter. Criteria: Ambry Variant Classification Scheme 2023. Collection method: clinical testing. Allele origin: germline.
Comment: The p.A866P variant (also known as c.2596G>C), located in coding exon 15 of the APC gene, results from a G to C substitution at nucleotide position 2596. The alanine at codon 866 is replaced by proline, an amino acid with highly similar properties. This amino acid position is not well conserved in available vertebrate species. In addition, in silico predictors for this gene do not accurately predict pathogenicity. Since supporting evidence is limited at this time, the clinical significance of this alteration remains unclear.